The following is an entry in ClinVar:

NM_001692.4(ATP6V1B1):c.1378+2T>G

Gene: ATP6V1B1 (ATPase H+ transporting V1 subunit B1; plus strand). Cytogenetic location: 2p13.3.
Variant type: single nucleotide variant.
Coding change: c.1378+2T>G on transcript NM_001692.4 (MANE Select); the canonical splice donor site of the intron after coding-DNA position 1378, T replaced by G.
Molecular consequence: splice donor variant.
Genome position (GRCh38, 1-based): chr2:70,964,867, T>G. VCF-style: chr2-70964867-T-G. GRCh37 (hg19) VCF-style: chr2-71191997-T-G.
Identifiers: ClinVar variation 4751919 (VCV004751919.2).

ClinVar aggregate classification (germline): Pathogenic (1 of 4 stars; one submission).

Submission:

Labcorp Genetics (formerly Invitae), Labcorp
Classification: Pathogenic. Last evaluated: 2025-09-23. Review status: criteria provided, single submitter. Criteria: Invitae Variant Classification Sherloc (09022015). Collection method: clinical testing. Allele origin: germline.
Comment: This sequence change affects a donor splice site in intron 13 of the ATP6V1B1 gene. While this variant is not anticipated to result in nonsense mediated decay, it likely alters RNA splicing and results in a disrupted protein product. This variant is not present in population databases (gnomAD no frequency). This variant has not been reported in the literature in individuals affected with ATP6V1B1-related conditions. Variants that disrupt the consensus splice site are a relatively common cause of aberrant splicing (PMID: 17576681, 9536098). Algorithms developed to predict the effect of sequence changes on RNA splicing suggest that this variant may disrupt the consensus splice site. This variant disrupts a region of the ATP6V1B1 protein in which other variant(s) (p.Phe468Cysfs*20) have been determined to be pathogenic (PMID: 8651253, 18368028, 25164082). This suggests that this is a clinically significant region of the protein, and that variants that disrupt it are likely to be disease-causing. For these reasons, this variant has been classified as Pathogenic.

Literature cited by the submitters: PubMed 17576681; PubMed 9536098; PubMed 8651253; PubMed 18368028; PubMed 25164082.